The following is an entry in ClinVar:

NM_001393797.1(ABCC12):c.43C>T (p.Arg15Ter)

Gene: ABCC12 (ATP binding cassette subfamily C member 12; minus strand). Cytogenetic location: 16q12.1.
Variant type: single nucleotide variant.
Coding change: c.43C>T on transcript NM_001393797.1 (MANE Select); coding-DNA position 43, C replaced by T.
Protein change: p.Arg15Ter; replaces arginine 15 with a stop codon.
Molecular consequence: nonsense. On other transcripts: non-coding transcript variant (6).
Genome position (GRCh38, 1-based): chr16:48,146,382, G>A on the plus strand (C>T on the coding strand, the complement: ABCC12 is on the minus strand). VCF-style: chr16-48146382-G-A. GRCh37 (hg19) VCF-style: chr16-48180293-G-A.
Other names: c.43C>T, p.Arg15Ter (NM_001392028.1, NM_033226.3); short protein forms R15*.
Identifiers: ClinVar variation 4979488 (VCV004979488.1).

ClinVar aggregate classification (germline): Uncertain significance (1 of 4 stars; one submission).

Conditions:
ABCC12-related condition.

gnomAD v4.1: 54 of 1,614,144 alleles (0.0033%); highest among the groups gnomAD compares: Middle Eastern, 0.033%; no homozygotes.

Submission:

PreventionGenetics, part of Exact Sciences
Classification: Uncertain significance for ABCC12-related condition. Last evaluated: 2026-02-16. Review status: criteria provided, single submitter. Criteria: ACMG Guidelines, 2015. Collection method: clinical testing. Allele origin: germline.
Comment: The ABCC12 c.43C>T variant is predicted to result in premature protein termination (p.Arg15*). To our knowledge, this variant has not been reported in the literature. This variant is reported in 0.049% of alleles in individuals of East Asian descent in gnomAD. At this time, the clinical significance of this variant is uncertain due to the absence of conclusive functional and genetic evidence.